The following is an entry in ClinVar:

ClinVar aggregate classification (germline): Uncertain significance (1 of 4 stars; one submission).

Allele frequency attached by ClinVar (database versions not stated): gnomAD 0.00003; TOPMed 0.00003; ExAC 0.00005; ESP Exome Variant Server 0.00008.
gnomAD v4.1: 44 of 1,613,738 alleles (0.0027%); highest among the groups gnomAD compares: Admixed American, 0.005%; no homozygotes.

Submission:

Labcorp Genetics (formerly Invitae), Labcorp
Classification: Uncertain significance. Last evaluated: 2025-12-21. Review status: criteria provided, single submitter. Criteria: Invitae Variant Classification Sherloc (09022015). Collection method: clinical testing. Allele origin: germline.
Comment: This sequence change replaces arginine, which is basic and polar, with glutamine, which is neutral and polar, at codon 99 of the MICAL1 protein (p.Arg99Gln). This variant is present in population databases (rs372479975, gnomAD 0.02%). This variant has not been reported in the literature in individuals affected with MICAL1-related conditions. ClinVar contains an entry for this variant (Variation ID: 1904500). An algorithm developed to predict the effect of missense changes on protein structure and function outputs the following: PolyPhen-2: "Benign". The glutamine amino acid residue is found in multiple mammalian species, which suggests that this missense change does not adversely affect protein function. In summary, the available evidence is currently insufficient to determine the role of this variant in disease. Therefore, it has been classified as a Variant of Uncertain Significance.

NM_022765.4(MICAL1):c.239G>A (p.Arg80Gln)

Gene: MICAL1 (microtubule associated monooxygenase, calponin and LIM domain containing 1; minus strand). Cytogenetic location: 6q21.
Variant type: single nucleotide variant.
Coding change: c.239G>A on transcript NM_022765.4 (MANE Select); coding-DNA position 239, G replaced by A.
Protein change: p.Arg80Gln; replaces arginine 80 with glutamine.
Molecular consequence: missense variant.
Genome position (GRCh38, 1-based): chr6:109,453,958, C>T on the plus strand (G>A on the coding strand, the complement: MICAL1 is on the minus strand). VCF-style: chr6-109453958-C-T. GRCh37 (hg19) VCF-style: chr6-109775161-C-T.
Other names: c.239G>A, p.Arg80Gln (NM_001159291.2); c.296G>A, p.Arg99Gln (NM_001286613.2); short protein forms R99Q, R80Q.
Identifiers: ClinVar variation 1904500 (VCV001904500.5), dbSNP rs372479975, ClinGen allele CA3953867.